The following is an entry in ClinVar:

ClinVar aggregate classification (germline): Likely pathogenic (1 of 4 stars; one submission).

Submission:

Labcorp Genetics (formerly Invitae), Labcorp
Classification: Likely pathogenic. Last evaluated: 2022-11-28. Review status: criteria provided, single submitter. Criteria: Invitae Variant Classification Sherloc (09022015). Collection method: clinical testing. Allele origin: germline.
Comment: Advanced modeling of protein sequence and biophysical properties (such as structural, functional, and spatial information, amino acid conservation, physicochemical variation, residue mobility, and thermodynamic stability) performed at Invitae indicates that this missense variant is expected to disrupt ABCC8 protein function. This sequence change replaces tryptophan, which is neutral and slightly polar, with leucine, which is neutral and non-polar, at codon 1246 of the ABCC8 protein (p.Trp1246Leu). This variant is not present in population databases (gnomAD no frequency). This variant has not been reported in the literature in individuals affected with ABCC8-related conditions. ClinVar contains an entry for this variant (Variation ID: 1469991). This variant disrupts the p.Tyr1246 amino acid residue in ABCC8. Other variant(s) that disrupt this residue have been determined to be pathogenic (PMID: 24401662, 30352420). This suggests that this residue is clinically significant, and that variants that disrupt this residue are likely to be disease-causing. In summary, the currently available evidence indicates that the variant is pathogenic, but additional data are needed to prove that conclusively. Therefore, this variant has been classified as Likely Pathogenic.

Literature cited by the submitters: PubMed 24401662; PubMed 30352420.

NM_000352.6(ABCC8):c.3737G>T (p.Trp1246Leu)

Gene: ABCC8 (ATP binding cassette subfamily C member 8; minus strand). Cytogenetic location: 11p15.1.
Variant type: single nucleotide variant.
Coding change: c.3737G>T on transcript NM_000352.6 (MANE Select); coding-DNA position 3737, G replaced by T.
Protein change: p.Trp1246Leu; replaces tryptophan 1246 with leucine.
Molecular consequence: missense variant. On other transcripts: non-coding transcript variant (1).
Genome position (GRCh38, 1-based): chr11:17,398,355, C>A on the plus strand (G>T on the coding strand, the complement: ABCC8 is on the minus strand). VCF-style: chr11-17398355-C-A. GRCh37 (hg19) VCF-style: chr11-17419902-C-A.
Other names: c.3740G>T, p.Trp1247Leu (NM_001287174.3); c.3803G>T, p.Trp1268Leu (NM_001351295.2); c.3737G>T, p.Trp1246Leu (NM_001351296.2); c.3734G>T, p.Trp1245Leu (NM_001351297.2); short protein forms W1245L, W1246L, W1247L, W1268L.
Identifiers: ClinVar variation 1469991 (VCV001469991.6), dbSNP rs2133413622, ClinGen allele CA379794022.